The following is an entry in ClinVar:

ClinVar aggregate classification (germline): Likely pathogenic (1 of 4 stars; one submission).

Conditions:
Cerebellar dysfunction with variable cognitive and behavioral abnormalities (CECBA). Also called: Nonprogressive cerebellar atxia with intellectual disability. Identifiers: Orphanet 314647, MedGen C3553661, MONDO:0013886, OMIM 614756.

Submission:

Greenwood Genetic Center Diagnostic Laboratories, Greenwood Genetic Center
Classification: Likely pathogenic for Cerebellar dysfunction with variable cognitive and behavioral abnormalities. Last evaluated: 2023-06-02. Review status: criteria provided, single submitter. Criteria: ACMG Guidelines, 2015. Collection method: clinical testing. Allele origin: germline. Affected: yes.
Comment: PVS1, PM2

NM_015215.4(CAMTA1):c.1521_1528del (p.Met507fs)

Gene: CAMTA1 (calmodulin binding transcription activator 1; plus strand). Cytogenetic location: 1p36.23.
Variant type: Deletion.
Coding change: c.1521_1528del on transcript NM_015215.4 (MANE Select); coding-DNA positions 1521 to 1528, 8 bases deleted (GGTCAGCT; older notation c.1521_1528delGGTCAGCT).
Protein change: p.Met507fs; shifts the reading frame from methionine 507.
Molecular consequence: frameshift variant.
Genome position (GRCh38, 1-based): chr1:7,664,068-7,664,075, GGTCAGCT deleted; deleting any 8 consecutive bases within chr1:7,664,067-7,664,075 gives the same sequence; the c. name uses the placement nearest the transcript's 3' end. VCF-style (leftmost placement, unchanged base first): chr1-7664066-ATGGTCAGC-A. GRCh37 (hg19) VCF-style: chr1-7724126-ATGGTCAGC-A.
Other names: c.1431_1438del, p.Met477fs (NM_001349608.2, NM_001349612.2); c.1521_1528del, p.Met507fs (NM_001349609.2, NM_001349610.2, NM_001410737.1); c.1449_1456del, p.Met483fs (NM_001410738.1); short protein forms M477fs, M483fs, M507fs.
Identifiers: ClinVar variation 2572253 (VCV002572253.1), dbSNP rs2523721054, ClinGen allele CA2580612914.